The following is an entry in ClinVar:

NM_025179.4(PLXNA2):c.2298G>A (p.Ser766=)

Gene: PLXNA2 (plexin A2; minus strand). Cytogenetic location: 1q32.2.
Variant type: single nucleotide variant.
Coding change: c.2298G>A on transcript NM_025179.4 (MANE Select); coding-DNA position 2298, G replaced by A.
Protein change: p.Ser766=; no amino-acid change (serine 766 retained).
Molecular consequence: synonymous variant.
Genome position (GRCh38, 1-based): chr1:208,084,380, C>T on the plus strand (G>A on the coding strand, the complement: PLXNA2 is on the minus strand). VCF-style: chr1-208084380-C-T. GRCh37 (hg19) VCF-style: chr1-208257725-C-T.
Identifiers: ClinVar variation 4990240 (VCV004990240.1).

ClinVar aggregate classification (germline): Uncertain significance (1 of 4 stars; one submission).

Conditions:
PLXNA2-related disorder. Also called: PLXNA2-related condition.

gnomAD v4.1: 3 of 1,614,120 alleles (0.00019%); highest among the groups gnomAD compares: South Asian, 0.0011%; no homozygotes.

Submission:

PreventionGenetics, part of Exact Sciences
Classification: Uncertain significance for PLXNA2-related condition. Last evaluated: 2025-07-22. Review status: criteria provided, single submitter. Criteria: ACMG Guidelines, 2015. Collection method: clinical testing. Allele origin: germline.
Comment: The PLXNA2 c.2298G>A variant is not predicted to result in an amino acid change (p.=). To our knowledge, this variant has not been reported in the literature. This variant is reported in 0.00089% of alleles in individuals of European (Non-Finnish) descent in gnomAD. Of note, this variant occurs at the last nucleotide of the exon and is predicted to weaken the canonical splice donor site based on available splicing prediction programs (SpliceAI, Jaganathan et al. 2019. PubMed ID: 30661751). However, the use of computer prediction programs is not equivalent to functional evidence. At this time, the clinical significance of this variant is uncertain due to the absence of conclusive functional and genetic evidence.